The following is an entry in ClinVar:

NM_012431.3(SEMA3E):c.214G>A (p.Val72Met)

Gene: SEMA3E (semaphorin 3E; minus strand). Cytogenetic location: 7q21.11.
Variant type: single nucleotide variant.
Coding change: c.214G>A on transcript NM_012431.3 (MANE Select); coding-DNA position 214, G replaced by A.
Protein change: p.Val72Met; replaces valine 72 with methionine.
Molecular consequence: missense variant.
Genome position (GRCh38, 1-based): chr7:83,490,176, C>T on the plus strand (G>A on the coding strand, the complement: SEMA3E is on the minus strand). VCF-style: chr7-83490176-C-T. GRCh37 (hg19) VCF-style: chr7-83119492-C-T.
Other names: c.214G>A (NM_012431.2); c.34G>A, p.Val12Met (NM_001178129.2); short protein forms V72M, V12M.
Identifiers: ClinVar variation 4737615 (VCV004737615.3).

ClinVar aggregate classification (germline): Uncertain significance. Review status: criteria provided, multiple submitters, no conflicts (2 of 4 stars). 3 submissions from 3 submitters: Uncertain significance (3). Last evaluated 2026-06-02.

Conditions:
CHARGE syndrome (CHARGE). Also called: Hittner Hirsch Kreh syndrome; CHARGE ASSOCIATION--COLOBOMA, HEART ANOMALY, CHOANAL ATRESIA, RETARDATION, GENITAL AND EAR ANOMALIES; Coloboma, heart anomaly, choanal atresia, retardation, genital and ear anomalies; CHARGE association; Hall-Hittner syndrome. Identifiers: Orphanet 138, MedGen C0265354, MONDO:0008965.
SEMA3E-related disorder. Also called: SEMA3E-related condition.

gnomAD v4.1: 45 of 1,612,946 alleles (0.0028%); highest among the groups gnomAD compares: Middle Eastern, 0.016%; no homozygotes.

Submissions (3):

PreventionGenetics, part of Exact Sciences
Classification: Uncertain significance for SEMA3E-related condition. Last evaluated: 2026-06-02. Review status: criteria provided, single submitter. Criteria: ACMG Guidelines, 2015. Collection method: clinical testing. Allele origin: germline.
Comment: The SEMA3E c.214G>A variant is predicted to result in the amino acid substitution p.Val72Met. To our knowledge, this variant has not been reported in the literature. This variant is reported in 0.0044% of alleles in individuals of European (Non-Finnish) descent in gnomAD. At this time, the clinical significance of this variant is uncertain due to the absence of conclusive functional and genetic evidence.

Labcorp Genetics (formerly Invitae), Labcorp
Classification: Uncertain significance for CHARGE syndrome. Last evaluated: 2025-12-20. Review status: criteria provided, single submitter. Criteria: Invitae Variant Classification Sherloc (09022015). Collection method: clinical testing. Allele origin: germline.
Comment: This sequence change replaces valine, which is neutral and non-polar, with methionine, which is neutral and non-polar, at codon 72 of the SEMA3E protein (p.Val72Met). This variant is present in population databases (rs371960755, gnomAD 0.004%). This variant has not been reported in the literature in individuals affected with SEMA3E-related conditions. Invitae Evidence Modeling of protein sequence and biophysical properties (such as structural, functional, and spatial information, amino acid conservation, physicochemical variation, residue mobility, and thermodynamic stability) has been performed for this missense variant. However, the output from this modeling did not meet the statistical confidence thresholds required to predict the impact of this variant on SEMA3E protein function. In summary, the available evidence is currently insufficient to determine the role of this variant in disease. Therefore, it has been classified as a Variant of Uncertain Significance.

Blueprint Genetics
Classification: Uncertain significance. Last evaluated: 2023-09-29. Review status: criteria provided, single submitter. Criteria: ACMG Guidelines, 2015. Collection method: clinical testing. Allele origin: germline.